The following is an entry in ClinVar:

ClinVar aggregate classification (germline): Uncertain significance. Review status: criteria provided, multiple submitters, no conflicts (2 of 4 stars). 2 submissions from 2 submitters: Uncertain significance (2). Last evaluated 2023-03-26.

Conditions:
Hereditary cancer-predisposing syndrome. Also called: Neoplastic Syndromes, Hereditary; Tumor predisposition; Hereditary neoplastic syndrome; Hereditary Cancer Syndrome. Identifiers: Orphanet 140162, MedGen C0027672, MeSH D009386, MONDO:0015356.
Microcephaly, normal intelligence and immunodeficiency (NBS). Also called: BERLIN BREAKAGE SYNDROME; Nijmegen breakage syndrome; Microcephaly with normal intelligence immunodeficiency and lymphoreticular malignancies; Nonsyndromal microcephaly autosomal recessive with normal intelligence; Seemanova syndrome 2; IMMUNODEFICIENCY, MICROCEPHALY, AND CHROMOSOMAL INSTABILITY. Identifiers: Orphanet 647, MedGen C0398791, MONDO:0009623, OMIM 251260.

Allele frequency attached by ClinVar (database versions not stated): gnomAD exomes below 0.00001.
gnomAD v4.1: 1 of 1,613,720 alleles (0.000062%); highest among the groups gnomAD compares: Non-Finnish European, 0.000085%; no homozygotes.

Submissions (2):

Ambry Genetics
Classification: Uncertain significance for Hereditary cancer-predisposing syndrome. Last evaluated: 2023-03-26. Review status: criteria provided, single submitter. Criteria: Ambry Variant Classification Scheme 2023. Collection method: clinical testing. Allele origin: germline.
Comment: The p.P325S variant (also known as c.973C>T), located in coding exon 8 of the NBN gene, results from a C to T substitution at nucleotide position 973. The proline at codon 325 is replaced by serine, an amino acid with similar properties. This amino acid position is conserved. In addition, the in silico prediction for this alteration is inconclusive. Since supporting evidence is limited at this time, the clinical significance of this alteration remains unclear.

Labcorp Genetics (formerly Invitae), Labcorp
Classification: Uncertain significance for Microcephaly, normal intelligence and immunodeficiency. Last evaluated: 2022-05-18. Review status: criteria provided, single submitter. Criteria: Invitae Variant Classification Sherloc (09022015). Collection method: clinical testing. Allele origin: germline.
Comment: This sequence change replaces proline, which is neutral and non-polar, with serine, which is neutral and polar, at codon 325 of the NBN protein (p.Pro325Ser). This variant is not present in population databases (gnomAD no frequency). This variant has not been reported in the literature in individuals affected with NBN-related conditions. Algorithms developed to predict the effect of missense changes on protein structure and function are either unavailable or do not agree on the potential impact of this missense change (SIFT: "Deleterious"; PolyPhen-2: "Probably Damaging"; Align-GVGD: "Class C0"). In summary, the available evidence is currently insufficient to determine the role of this variant in disease. Therefore, it has been classified as a Variant of Uncertain Significance.

NM_002485.5(NBN):c.973C>T (p.Pro325Ser)

Gene: NBN (nibrin; minus strand). Cytogenetic location: 8q21.3.
Variant type: single nucleotide variant.
Coding change: c.973C>T on transcript NM_002485.5 (MANE Select); coding-DNA position 973, C replaced by T.
Protein change: p.Pro325Ser; replaces proline 325 with serine.
Molecular consequence: missense variant.
Genome position (GRCh38, 1-based): chr8:89,964,431, G>A on the plus strand (C>T on the coding strand, the complement: NBN is on the minus strand). VCF-style: chr8-89964431-G-A. GRCh37 (hg19) VCF-style: chr8-90976659-G-A.
Other names: c.973C>T (NM_002485.4); c.727C>T, p.Pro243Ser (NM_001024688.3); short protein forms P243S, P325S.
Identifiers: ClinVar variation 1493940 (VCV001493940.7), dbSNP rs2129785733, ClinGen allele CA371656893.